The following is an entry in ClinVar:

ClinVar aggregate classification (germline): Uncertain significance (1 of 4 stars; one submission).

Conditions:
Long QT syndrome (LQTS). Identifiers: MedGen C0023976, MeSH D008133, MONDO:0002442. Disease mechanism: loss of function. Inheritance: Various modes of inheritance.

Allele frequency attached by ClinVar (database versions not stated): gnomAD 0.00001; gnomAD exomes 0.00002; TOPMed 0.00002; ExAC 0.00004; 1000 Genomes Project 30x 0.00016; 1000 Genomes Project 0.00020.
gnomAD v4.1: 29 of 1,535,948 alleles (0.0019%); highest among the groups gnomAD compares: East Asian, 0.031%; no homozygotes.

Submission:

Labcorp Genetics (formerly Invitae), Labcorp
Classification: Uncertain significance for Long QT syndrome. Last evaluated: 2023-01-14. Review status: criteria provided, single submitter. Criteria: Invitae Variant Classification Sherloc (09022015). Collection method: clinical testing. Allele origin: germline.
Comment: This variant is present in population databases (rs530130732, gnomAD 0.04%). This sequence change falls in intron 4 of the CACNA1C gene. It does not directly change the encoded amino acid sequence of the CACNA1C protein. It affects a nucleotide within the consensus splice site. This variant has not been reported in the literature in individuals affected with CACNA1C-related conditions. Variants that disrupt the consensus splice site are a relatively common cause of aberrant splicing (PMID: 17576681, 9536098). Algorithms developed to predict the effect of sequence changes on RNA splicing suggest that this variant is not likely to affect RNA splicing. In summary, the available evidence is currently insufficient to determine the role of this variant in disease. Therefore, it has been classified as a Variant of Uncertain Significance.

Literature cited by the submitters: PubMed 17576681; PubMed 9536098.

NM_000719.7(CACNA1C):c.617+4A>C

Gene: CACNA1C (calcium voltage-gated channel subunit alpha1 C; plus strand). Cytogenetic location: 12p13.33.
Variant type: single nucleotide variant.
Coding change: c.617+4A>C on transcript NM_000719.7 (MANE Select); 4 bases into the intron after coding-DNA position 617, A replaced by C.
Molecular consequence: intron variant.
Genome position (GRCh38, 1-based): chr12:2,449,119, A>C. VCF-style: chr12-2449119-A-C. GRCh37 (hg19) VCF-style: chr12-2558285-A-C.
Other names: c.617+4A>C (NM_001167624.3, NM_001167623.2, NM_001167625.2 and 19 more transcripts).
Identifiers: ClinVar variation 2903843 (VCV002903843.2), dbSNP rs530130732, ClinGen allele CA6388484.
Genomic context (GRCh38, chr12:2,449,119, plus strand): 5'-CAATGCCTACCTCCGCAACGGCTGGAACCTACTAGATTTTATAATTGTGGTTGTGGGGTA[A>C]GTATCACTGTCTGTTTCTTTCCCTTTATCTTACCAGTGTTGCGGGACTTTTCCTTAAGTC-3'